The following is an entry in ClinVar:

NM_014254.3(RXYLT1):c.81C>T (p.Val27=)

Gene: RXYLT1 (ribitol xylosyltransferase 1; plus strand). Cytogenetic location: 12q14.2.
Variant type: single nucleotide variant.
Coding change: c.81C>T on transcript NM_014254.3 (MANE Select); coding-DNA position 81, C replaced by T.
Protein change: p.Val27=; no amino-acid change (valine 27 retained).
Molecular consequence: synonymous variant.
Genome position (GRCh38, 1-based): chr12:63,780,041, C>T. VCF-style: chr12-63780041-C-T. GRCh37 (hg19) VCF-style: chr12-64173821-C-T.
Identifiers: ClinVar variation 382749 (VCV000382749.9), dbSNP rs971441689, ClinGen allele CA16606369.
Genomic context (GRCh38, chr12:63,780,041, plus strand): 5'-GCTCTGCTCGTTTCTTATCGCCCTGTACTGCCTATTCTCCCTCTACGCTGCCTACCACGT[C>T]TTCTTCGGGCGCCGCCGCCAGGCGCCGGCCGGGTCCCCGCGGGGCCTCAGGAAGGGGGCG-3'
Protein context (NP_055069.1, residues 17-37): CLFSLYAAYH[Val27=]FFGRRRQAPA

ClinVar aggregate classification (germline): Likely benign. Review status: criteria provided, multiple submitters, no conflicts (2 of 4 stars). 2 submissions from 2 submitters: Likely benign (2). Last evaluated 2026-01-19.

Allele frequency attached by ClinVar (database versions not stated): TOPMed 0.00002; gnomAD 0.00003.

Submissions (2):

Labcorp Genetics (formerly Invitae), Labcorp
Classification: Likely benign. Last evaluated: 2026-01-19. Review status: criteria provided, single submitter. Criteria: Invitae Variant Classification Sherloc (09022015). Collection method: clinical testing. Allele origin: germline.

GeneDx
Classification: Likely benign. Last evaluated: 2016-02-15. Review status: criteria provided, single submitter. Criteria: GeneDx Variant Classification (06012015). Collection method: clinical testing. Allele origin: germline. Affected: yes.
Comment: This variant is considered likely benign or benign based on one or more of the following criteria: it is a conservative change, it occurs at a poorly conserved position in the protein, it is predicted to be benign by multiple in silico algorithms, and/or has population frequency not consistent with disease.